The following is an entry in ClinVar:

NM_001085451.2(LNP1):c.195_196insGGAATTCCGATGCCGATCGTCTGACCGTCTTCCTAGAAGGCATTCTCATGAGGACCA (p.Pro66delinsGlyIleProMetProIleValTer)

Gene: LNP1 (leukemia NUP98 fusion partner 1; plus strand). Cytogenetic location: 3q12.2.
Variant type: Insertion.
Coding change: c.195_196insGGAATTCCGATGCCGATCGTCTGACCGTCTTCCTAGAAGGCATTCTCATGAGGACCA on transcript NM_001085451.2 (MANE Select); coding-DNA positions 195 to 196, GGAATTCCGATGCCGATCGTCTGACCGTCTTCCTAGAAGGCATTCTCATGAGGACCA inserted.
Protein change: p.Pro66delinsGlyIleProMetProIleValTer.
Molecular consequence: nonsense.
Genome position: GRCh38: chr3:100,451,757-100,451,758. GRCh37 (hg19): chr3:100,170,601-100,170,602.
Identifiers: ClinVar variation 1687739 (VCV001687739.3), dbSNP rs2148908683, ClinGen allele CA2573136383.

ClinVar aggregate classification (germline): Benign (0 of 4 stars; one submission).

Conditions:
Neurodevelopmental disorder with epilepsy and hypoplasia of the corpus callosum. Identifiers: MedGen C4748137, MONDO:0060761, OMIM 618090.

Submission:

Molecular Genetics, Sadra Medical Genetics Laboratory
Classification: Benign for Neurodevelopmental disorder with epilepsy and hypoplasia of the corpus callosum. Last evaluated: 2022-05-30. Review status: no assertion criteria provided. Collection method: clinical testing. Allele origin: germline. Inheritance: Autosomal recessive inheritance. Affected: no. Observed: 1 homozygote.
Comment: please look at the following link (normal Iranian population genetic databases) rs71132521 MAF:0.4606